The following is an entry in ClinVar:

ClinVar aggregate classification (germline): Likely benign. Review status: criteria provided, single submitter (1 of 4 stars). 2 submissions from 2 submitters: Likely benign (1). 1 of the submissions does not count toward it. Last evaluated 2025-08-21.

Conditions:
KANK4-related disorder. Also called: KANK4-related condition.

Allele frequency attached by ClinVar (database versions not stated): gnomAD exomes 0.00006; ExAC 0.00007; ESP Exome Variant Server 0.00008; gnomAD 0.00009; TOPMed 0.00012; 1000 Genomes Project 0.00020; 1000 Genomes Project 30x 0.00031.
gnomAD v4.1: 186 of 1,613,782 alleles (0.012%); highest among the groups gnomAD compares: Non-Finnish European, 0.014%; no homozygotes.

Submissions (2):

Labcorp Genetics (formerly Invitae), Labcorp
Classification: Likely benign. Last evaluated: 2025-08-21. Review status: criteria provided, single submitter. Criteria: Invitae Variant Classification Sherloc (09022015). Collection method: clinical testing. Allele origin: germline.

PreventionGenetics, part of Exact Sciences
Classification: Likely benign for KANK4-related condition. Last evaluated: 2019-11-22. Review status: no assertion criteria provided. Collection method: clinical testing. Allele origin: germline. Not counted in ClinVar's aggregate classification.
Comment: This variant is classified as likely benign based on ACMG/AMP sequence variant interpretation guidelines (Richards et al. 2015 PMID: 25741868, with internal and published modifications).

NM_181712.5(KANK4):c.2958C>T (p.His986=)

Gene: KANK4 (KN motif and ankyrin repeat domains 4; minus strand). Cytogenetic location: 1p31.3.
Variant type: single nucleotide variant.
Coding change: c.2958C>T on transcript NM_181712.5 (MANE Select); coding-DNA position 2958, C replaced by T.
Protein change: p.His986=; no amino-acid change (histidine 986 retained).
Molecular consequence: synonymous variant.
Genome position (GRCh38, 1-based): chr1:62,238,307, G>A on the plus strand (C>T on the coding strand, the complement: KANK4 is on the minus strand). VCF-style: chr1-62238307-G-A. GRCh37 (hg19) VCF-style: chr1-62703979-G-A.
Other names: c.1074C>T, p.His358= (NM_001320269.2); c.2958C>T (NM_181712.4).
Identifiers: ClinVar variation 1546353 (VCV001546353.10), dbSNP rs151151056, ClinGen allele CA883935.